The following is an entry in ClinVar:

NM_001267550.2(TTN):c.64723_64732del (p.Asp21575fs)

Genes: TTN-AS1 (TTN antisense RNA 1; plus strand), TTN (titin; minus strand). Cytogenetic location: 2q31.2.
Variant type: Deletion.
Coding change: c.64723_64732del on transcript NM_001267550.2 (MANE Select); coding-DNA positions 64723 to 64732, 10 bases deleted (GATGCTTGCT; older notation c.64723_64732delGATGCTTGCT).
Protein change: p.Asp21575fs; shifts the reading frame from aspartic acid 21575.
Molecular consequence: frameshift variant. On other transcripts: non-coding transcript variant (1).
Genome position (GRCh38, 1-based): chr2:178,584,909-178,584,918, AGCAAGCATC deleted on the plus strand (GATGCTTGCT on the coding strand, the reverse complement: TTN is on the minus strand); deleting any 10 consecutive bases within chr2:178,584,909-178,584,921 gives the same sequence; the c. name uses the placement nearest the transcript's 3' end. VCF-style (leftmost placement, unchanged base first): chr2-178584908-GAGCAAGCATC-G. GRCh37 (hg19) VCF-style: chr2-179449635-GAGCAAGCATC-G.
Other names: c.59800_59809del, p.Asp19934fs (NM_001256850.1); c.37528_37537del, p.Asp12510fs (NM_003319.4); c.57019_57028del, p.Asp19007fs (NM_133378.4); c.37903_37912del, p.Asp12635fs (NM_133432.3); c.38104_38113del, p.Asp12702fs (NM_133437.4); short protein forms D12635fs, D12702fs, D19007fs, D19934fs, D21575fs, D12510fs.
Identifiers: ClinVar variation 4786690 (VCV004786690.1).
Genomic context (GRCh38, chr2:178,584,908, plus strand): 5'-TCCACTATATAATTGGTGATGTTACTGCCTCCGTCCTCCAGAGGGATGTGCCATGACAGG[GAGCAAGCATC>G]AGCGTCTATATCAGAAATGTCAAATGGAGGCTGAGGGGGGCCGGGGGCATCTACATGAAC-3'

ClinVar aggregate classification (germline): Likely pathogenic (1 of 4 stars; one submission).

Conditions:
Autosomal recessive limb-girdle muscular dystrophy type 2J (LGMDR10). Also called: Limb-girdle muscular dystrophy, type 2J; MUSCULAR DYSTROPHY, LIMB-GIRDLE, AUTOSOMAL RECESSIVE 10. Identifiers: Orphanet 140922, MedGen C1837342, MONDO:0012127, OMIM 608807.
Dilated cardiomyopathy 1G (CMD1G). Identifiers: Orphanet 154, MedGen C1858763, MONDO:0011400, OMIM 604145.

Submission:

Labcorp Genetics (formerly Invitae), Labcorp
Classification: Likely pathogenic for Dilated cardiomyopathy 1G; Autosomal recessive limb-girdle muscular dystrophy type 2J. Last evaluated: 2025-11-12. Review status: criteria provided, single submitter. Criteria: Invitae Variant Classification Sherloc (09022015). Collection method: clinical testing. Allele origin: germline.
Comment: This sequence change creates a premature translational stop signal (p.Asp21575Profs*19) in the TTN gene. While this is not anticipated to result in nonsense mediated decay, it is expected to create a truncated TTN protein. This variant is not present in population databases (gnomAD no frequency). This variant has not been reported in the literature in individuals affected with TTN-related conditions. Algorithms developed to predict the effect of sequence changes on RNA splicing suggest that this variant may disrupt the consensus splice site. This variant is located in the A band of TTN (PMID: 25589632). Truncating variants in this region are significantly overrepresented in patients affected with dilated cardiomyopathy (PMID: 25589632). Truncating variants in this region have also been reported in individuals affected with autosomal recessive centronuclear myopathy (PMID: 23975875). In summary, the currently available evidence indicates that the variant is pathogenic, but additional data are needed to prove that conclusively. Therefore, this variant has been classified as Likely Pathogenic.

Literature cited by the submitters: PubMed 25589632; PubMed 23975875.